The following is an entry in ClinVar:

NM_194248.3(OTOF):c.1067G>A (p.Trp356Ter)

Gene: OTOF (otoferlin; minus strand). Cytogenetic location: 2p23.3.
Variant type: single nucleotide variant.
Coding change: c.1067G>A on transcript NM_194248.3 (MANE Select); coding-DNA position 1067, G replaced by A.
Protein change: p.Trp356Ter; replaces tryptophan 356 with a stop codon.
Molecular consequence: nonsense.
Genome position (GRCh38, 1-based): chr2:26,484,612, C>T on the plus strand (G>A on the coding strand, the complement: OTOF is on the minus strand). VCF-style: chr2-26484612-C-T. GRCh37 (hg19) VCF-style: chr2-26707480-C-T.
Other names: c.1067G>A, p.Trp356Ter (NM_001287489.2); short protein forms W356*.
Identifiers: ClinVar variation 2725576 (VCV002725576.4), dbSNP rs2465280778, ClinGen allele CA346137951.

ClinVar aggregate classification (germline): Pathogenic/Likely pathogenic. Review status: criteria provided, multiple submitters, no conflicts (2 of 4 stars). 2 submissions from 2 submitters: Pathogenic (1); Likely pathogenic (1). Last evaluated 2025-05-14.

Conditions:
Autosomal recessive nonsyndromic hearing loss 9. Also called: NEUROSENSORY NONSYNDROMIC RECESSIVE DEAFNESS 9; OTOF-Related Hearing Loss; Deafness, autosomal recessive 9; AUDITORY NEUROPATHY, AUTOSOMAL RECESSIVE, 1, TEMPERATURE-SENSITIVE. Identifiers: Orphanet 90636, MedGen C1832828, MONDO:0010986, OMIM 601071.

Allele frequency attached by ClinVar (database versions not stated): gnomAD exomes below 0.00001.
gnomAD v4.1: 1 of 1,613,874 alleles (0.000062%); highest among the groups gnomAD compares: Non-Finnish European, 0.000085%; no homozygotes.

Submissions (2):

Variantyx, Inc.
Classification: Likely pathogenic for Autosomal recessive nonsyndromic hearing loss 9. Last evaluated: 2025-05-14. Review status: criteria provided, single submitter. Criteria: Variantyx Assertion Criteria 2022. Collection method: clinical testing. Allele origin: germline. Inheritance: Autosomal recessive inheritance. Affected: no.
Comment: This is a nonsense variant in the OTOF gene (OMIM: 603681). Pathogenic variants in this gene have been associated with autosomal recessive deafness 9. This variant introduces a premature termination codon in exon 12 out of 47 and is expected to result in loss of function, which is a known disease mechanism for OTOF in this disorder (PMID:18381613, 19250381, 22575033) (PVS1). This variant has a 0.0001% maximum allele frequency in non-founder control populations (PM2). Based on the current evidence, this variant is classified as likely pathogenic for autosomal recessive deafness 9.

Labcorp Genetics (formerly Invitae), Labcorp
Classification: Pathogenic. Last evaluated: 2023-09-10. Review status: criteria provided, single submitter. Criteria: Invitae Variant Classification Sherloc (09022015). Collection method: clinical testing. Allele origin: germline.
Comment: This sequence change creates a premature translational stop signal (p.Trp356*) in the OTOF gene. It is expected to result in an absent or disrupted protein product. Loss-of-function variants in OTOF are known to be pathogenic (PMID: 18381613, 19250381, 22575033). This variant is not present in population databases (gnomAD no frequency). This variant has not been reported in the literature in individuals affected with OTOF-related conditions. For these reasons, this variant has been classified as Pathogenic.

Literature cited by the submitters: PubMed 18381613 (cited by Variantyx, Inc. and Labcorp Genetics (formerly Invitae), Labcorp); PubMed 19250381 (cited by Variantyx, Inc. and Labcorp Genetics (formerly Invitae), Labcorp); PubMed 22575033 (cited by Variantyx, Inc. and Labcorp Genetics (formerly Invitae), Labcorp).